The following is an entry in ClinVar:

NM_020778.5(ALPK3):c.880A>G (p.Thr294Ala)

Gene: ALPK3 (alpha kinase 3; plus strand). Cytogenetic location: 15q25.3.
Variant type: single nucleotide variant.
Coding change: c.880A>G on transcript NM_020778.5 (MANE Select); coding-DNA position 880, A replaced by G.
Protein change: p.Thr294Ala; replaces threonine 294 with alanine.
Molecular consequence: missense variant.
Genome position (GRCh38, 1-based): chr15:84,840,159, A>G. VCF-style: chr15-84840159-A-G. GRCh37 (hg19) VCF-style: chr15-85383390-A-G.
Other names: c.1486A>G (NM_020778.4); short protein forms T294A.
Identifiers: ClinVar variation 1385412 (VCV001385412.8), dbSNP rs941631732, ClinGen allele CA273665653.

ClinVar aggregate classification (germline): Uncertain significance. Review status: criteria provided, multiple submitters, no conflicts (2 of 4 stars). 3 submissions from 3 submitters: Uncertain significance (3). Last evaluated 2026-06-02.

Conditions:
Cardiovascular phenotype. Identifiers: MedGen CN230736.

Allele frequency attached by ClinVar (database versions not stated): gnomAD exomes 0.00001; TOPMed 0.00001.
gnomAD v4.1: 5 of 1,613,800 alleles (0.00031%); highest among the groups gnomAD compares: Non-Finnish European, 0.00042%; no homozygotes.

Submissions (3):

Women's Health and Genetics/Laboratory Corporation of America, LabCorp
Classification: Uncertain significance. Last evaluated: 2026-06-02. Review status: criteria provided, single submitter. Criteria: LabCorp Variant Classification Summary - May 2015. Collection method: clinical testing. Allele origin: germline.

Ambry Genetics
Classification: Uncertain significance for Cardiovascular phenotype. Last evaluated: 2024-05-11. Review status: criteria provided, single submitter. Criteria: Ambry Variant Classification Scheme 2023. Collection method: clinical testing. Allele origin: germline.
Comment: The p.T496A variant (also known as c.1486A>G), located in coding exon 5 of the ALPK3 gene, results from an A to G substitution at nucleotide position 1486. The threonine at codon 496 is replaced by alanine, an amino acid with similar properties. This amino acid position is conserved. In addition, this alteration is predicted to be tolerated by in silico analysis. Based on the available evidence, the clinical significance of this variant remains unclear.

Labcorp Genetics (formerly Invitae), Labcorp
Classification: Uncertain significance. Last evaluated: 2021-10-08. Review status: criteria provided, single submitter. Criteria: Invitae Variant Classification Sherloc (09022015). Collection method: clinical testing. Allele origin: germline.
Comment: In summary, the available evidence is currently insufficient to determine the role of this variant in disease. Therefore, it has been classified as a Variant of Uncertain Significance. Algorithms developed to predict the effect of missense changes on protein structure and function (SIFT, PolyPhen-2, Align-GVGD) all suggest that this variant is likely to be tolerated. This variant has not been reported in the literature in individuals affected with ALPK3-related conditions. This variant is not present in population databases (ExAC no frequency). This sequence change replaces threonine with alanine at codon 496 of the ALPK3 protein (p.Thr496Ala). The threonine residue is moderately conserved and there is a small physicochemical difference between threonine and alanine.